The following is an entry in ClinVar:

ClinVar aggregate classification (germline): Likely benign (1 of 4 stars; one submission).

Allele frequency attached by ClinVar (database versions not stated): 1000 Genomes Project 30x 0.00375; 1000 Genomes Project 0.00399; gnomAD 0.00508; TOPMed 0.00508; ESP Exome Variant Server 0.00540; ExAC 0.00729; gnomAD exomes 0.00938.
gnomAD v4.1: 13,922 of 1,565,056 alleles (0.89%); highest among the groups gnomAD compares: Non-Finnish European, 1.1%; 86 homozygotes.

Submission:

CeGaT Center for Human Genetics Tuebingen
Classification: Likely benign. Last evaluated: 2023-02-01. Review status: criteria provided, single submitter. Criteria: CeGaT Center For Human Genetics Tuebingen Variant Classification Criteria Version 2. Collection method: clinical testing. Allele origin: germline. Affected: yes. Observed: 1 variant allele.
Comment: RILPL2: BP4, BP7, BS2

NM_145058.3(RILPL2):c.81G>C (p.Gly27=)

Gene: RILPL2 (Rab interacting lysosomal protein like 2; minus strand). Cytogenetic location: 12q24.31.
Variant type: single nucleotide variant.
Coding change: c.81G>C on transcript NM_145058.3 (MANE Select); coding-DNA position 81, G replaced by C.
Protein change: p.Gly27=; no amino-acid change (glycine 27 retained).
Molecular consequence: synonymous variant. On other transcripts: non-coding transcript variant (1).
Genome position (GRCh38, 1-based): chr12:123,436,340, C>G on the plus strand (G>C on the coding strand, the complement: RILPL2 is on the minus strand). VCF-style: chr12-123436340-C-G. GRCh37 (hg19) VCF-style: chr12-123920887-C-G.
Identifiers: ClinVar variation 2643510 (VCV002643510.24), dbSNP rs139435173, ClinGen allele CA6858494.